The following is an entry in ClinVar:

NM_207352.4(CYP4V2):c.1480C>T (p.Gln494Ter)

Gene: CYP4V2 (cytochrome P450 family 4 subfamily V member 2; plus strand). Cytogenetic location: 4q35.2.
Variant type: single nucleotide variant.
Coding change: c.1480C>T on transcript NM_207352.4 (MANE Select); coding-DNA position 1480, C replaced by T.
Protein change: p.Gln494Ter; replaces glutamine 494 with a stop codon.
Molecular consequence: nonsense.
Genome position (GRCh38, 1-based): chr4:186,210,543, C>T. VCF-style: chr4-186210543-C-T. GRCh37 (hg19) VCF-style: chr4-187131697-C-T.
Other names: short protein forms Q494*.
Identifiers: ClinVar variation 1916261 (VCV001916261.5), dbSNP rs1736679814, ClinGen allele CA358950947.

ClinVar aggregate classification (germline): Likely pathogenic (1 of 4 stars; one submission).

Submission:

Labcorp Genetics (formerly Invitae), Labcorp
Classification: Likely pathogenic. Last evaluated: 2022-09-18. Review status: criteria provided, single submitter. Criteria: Invitae Variant Classification Sherloc (09022015). Collection method: clinical testing. Allele origin: germline.
Comment: In summary, the currently available evidence indicates that the variant is pathogenic, but additional data are needed to prove that conclusively. Therefore, this variant has been classified as Likely Pathogenic. This variant disrupts a region of the CYP4V2 protein in which other variant(s) (p.Arg508His) have been observed in individuals with CYP4V2-related conditions (PMID: 15042513). This suggests that this is a clinically significant region of the protein, and that variants that disrupt it are likely to be disease-causing. Experimental studies and prediction algorithms are not available or were not evaluated, and the functional significance of this variant is currently unknown. This premature translational stop signal has been observed in individual(s) with Bietti crystalline dystrophy (PMID: 32141364). This variant is not present in population databases (gnomAD no frequency). This sequence change creates a premature translational stop signal (p.Gln494*) in the CYP4V2 gene. While this is not anticipated to result in nonsense mediated decay, it is expected to disrupt the last 32 amino acid(s) of the CYP4V2 protein.

Literature cited by the submitters: PubMed 15042513; PubMed 32141364.